The following is an entry in ClinVar:

NM_000369.5(TSHR):c.545+2_545+3del

Genes: TSHR (thyroid stimulating hormone receptor; plus strand), TSHR-AS1 (TSHR antisense RNA 1; minus strand). Cytogenetic location: 14q31.1.
Variant type: Microsatellite.
Coding change: c.545+2_545+3del on transcript NM_000369.5 (MANE Select); the canonical splice donor site of the intron after coding-DNA position 545 through 3 bases into the intron after coding-DNA position 545, 2 bases deleted (TG; older notation c.545+2_545+3delTG).
Molecular consequence: splice donor variant.
Genome position (GRCh38, 1-based): chr14:81,092,610-81,092,611, TG deleted; deleting any 2 consecutive bases within chr14:81,092,608-81,092,611 gives the same sequence; the c. name uses the placement nearest the transcript's 3' end. VCF-style (leftmost placement, unchanged base first): chr14-81092607-CTG-C. GRCh37 (hg19) VCF-style: chr14-81558951-CTG-C.
Other names: c.545+2_545+3delTG (NM_000369.2); c.545+2_545+3del (NM_001142626.3, NM_001018036.3).
Identifiers: ClinVar variation 189249 (VCV000189249.7), dbSNP rs786204790, ClinGen allele CA199173.

ClinVar aggregate classification (germline): Likely pathogenic. Review status: criteria provided, multiple submitters, no conflicts (2 of 4 stars). 2 submissions from 2 submitters: Likely pathogenic (2). Last evaluated 2024-02-08.

Conditions:
Hypothyroidism due to TSH receptor mutations. Also called: Hypothyroidism, congenital, nongoitrous, 1; HYPOTHYROIDISM DUE TO UNRESPONSIVENESS TO THYROTROPIN; HYPOTHYROIDISM, CONGENITAL, DUE TO TSH RESISTANCE; HYPOTHYROIDISM, NONAUTOIMMUNE; THYROID-STIMULATING HORMONE, RESISTANCE TO; TSH RESISTANCE. Identifiers: Orphanet 90673, MedGen C3493776, MONDO:0010142, OMIM 275200.

Submissions (2):

Labcorp Genetics (formerly Invitae), Labcorp
Classification: Likely pathogenic. Last evaluated: 2024-02-08. Review status: criteria provided, single submitter. Criteria: Invitae Variant Classification Sherloc (09022015). Collection method: clinical testing. Allele origin: germline.
Comment: This sequence change affects a splice site in intron 6 of the TSHR gene. It is expected to disrupt RNA splicing. Variants that disrupt the donor or acceptor splice site typically lead to a loss of protein function (PMID: 16199547), and loss-of-function variants in TSHR are known to be pathogenic (PMID: 8954020). This variant is not present in population databases (gnomAD no frequency). This variant has not been reported in the literature in individuals affected with TSHR-related conditions. ClinVar contains an entry for this variant (Variation ID: 189249). Algorithms developed to predict the effect of sequence changes on RNA splicing suggest that this variant may disrupt the consensus splice site. In summary, the currently available evidence indicates that the variant is pathogenic, but additional data are needed to prove that conclusively. Therefore, this variant has been classified as Likely Pathogenic.

Laboratory for Molecular Medicine, Mass General Brigham Personalized Medicine
Classification: Likely pathogenic for Congenital Hypothyroidism. Last evaluated: 2014-04-18. Review status: criteria provided, single submitter. Criteria: LMM Criteria. Collection method: clinical testing. Allele origin: germline. Inheritance: Autosomal recessive inheritance. Observed: 1 variant allele. Study: CSER-MedSeq.
Comment: The c.545+2_545+3del variant in TSHR has not been reported in individuals with disease or in large population studies. This variant occurs in the invariant region (+/- 1/2) of the splice consensus sequence and is predicted to cause altered splicing leading to an abnormal or absent protein. Biallelic loss-of-function variants in the TSHR gene have been shown to cause thyroid-stimulating hormone resistance (see review by Cassio 2013). Although there are multiple cases identified with only a single heterozygous pathogenic variant, insufficient evidence exists to determine if a true carrier phenotype is possible or if these studies simply did not find the second variant. In summary, this novel variant is likely to be pathogenic in a recessive manner for TSH resistance, though additional studies are required to fully establish its clinical significance.

Literature cited by the submitters: PubMed 16199547 (cited by Labcorp Genetics (formerly Invitae), Labcorp); PubMed 8954020 (cited by Labcorp Genetics (formerly Invitae), Labcorp); PubMed 23404215 (cited by Laboratory for Molecular Medicine, Mass General Brigham Personalized Medicine).